The following is an entry in ClinVar:

NM_173628.4(DNAH17):c.12788C>T (p.Thr4263Met)

Gene: DNAH17 (dynein axonemal heavy chain 17; minus strand). Cytogenetic location: 17q25.3.
Variant type: single nucleotide variant.
Coding change: c.12788C>T on transcript NM_173628.4 (MANE Select); coding-DNA position 12788, C replaced by T.
Protein change: p.Thr4263Met; replaces threonine 4263 with methionine.
Molecular consequence: missense variant.
Genome position (GRCh38, 1-based): chr17:78,426,584, G>A on the plus strand (C>T on the coding strand, the complement: DNAH17 is on the minus strand). VCF-style: chr17-78426584-G-A. GRCh37 (hg19) VCF-style: chr17-76422665-G-A.
Other names: short protein forms T4263M.
Identifiers: ClinVar variation 4242303 (VCV004242303.2).

ClinVar aggregate classification (germline): Uncertain significance. Review status: criteria provided, multiple submitters, no conflicts (2 of 4 stars). 2 submissions from 2 submitters: Uncertain significance (2). Last evaluated 2026-08-06.

Conditions:
Inborn genetic diseases. Identifiers: MedGen C0950123, MeSH D030342.

gnomAD v4.1: 19 of 1,609,700 alleles (0.0012%); highest among the groups gnomAD compares: East Asian, 0.0022%; no homozygotes.

Submissions (2):

OLLIN Analises Genomicas, OLLIN
Classification: Uncertain significance. Last evaluated: 2026-08-06. Review status: criteria provided, single submitter. Criteria: ACMG Guidelines 2015 PMID 25741868. Collection method: clinical testing. Allele origin: germline.
Comment: This missense variant, located in exon 79 (of 81), has been observed in gnomAD with an allele frequency of 0.0012%, but has not been reported in ClinVar or identified in the literature. In silico analysis is inconclusive regarding the impact of this variant. This gene has high tolerance to missense variation. According to the currently available evidence, this variant has been classified as uncertain significance (PM2_P, BP1).

Ambry Genetics
Classification: Uncertain significance for Inborn genetic diseases. Last evaluated: 2025-06-24. Review status: criteria provided, single submitter. Criteria: Ambry Variant Classification Scheme 2023. Collection method: clinical testing. Allele origin: germline.